The following is an entry in ClinVar:

ClinVar aggregate classification (germline): Uncertain significance. Review status: criteria provided, multiple submitters, no conflicts (2 of 4 stars). 2 submissions from 2 submitters: Uncertain significance (2). Last evaluated 2022-02-18.

Conditions:
Infantile nephronophthisis (NPHP2). Also called: Nephronophthisis 2, infantile; Nephronophthisis 2. Identifiers: Orphanet 655, Orphanet 93591, MedGen C1865872, MONDO:0011190, OMIM 602088.
Nephronophthisis. Also called: Juvenile Nephronophthisis. Identifiers: Orphanet 655, MedGen C0687120, MONDO:0019005, HP:0000090.

Allele frequency attached by ClinVar (database versions not stated): gnomAD exomes 0.00002 and 0.00003; TOPMed 0.00002.
gnomAD v4.1: 39 of 1,610,204 alleles (0.0024%); highest among the groups gnomAD compares: Non-Finnish European, 0.0031%; no homozygotes.

Submissions (2):

Labcorp Genetics (formerly Invitae), Labcorp
Classification: Uncertain significance for Nephronophthisis. Last evaluated: 2022-02-18. Review status: criteria provided, single submitter. Criteria: Invitae Variant Classification Sherloc (09022015). Collection method: clinical testing. Allele origin: germline.
Comment: This sequence change replaces cysteine, which is neutral and slightly polar, with arginine, which is basic and polar, at codon 1036 of the INVS protein (p.Cys1036Arg). This variant is present in population databases (no rsID available, gnomAD 0.01%). This variant has not been reported in the literature in individuals affected with INVS-related conditions. ClinVar contains an entry for this variant (Variation ID: 914510). Algorithms developed to predict the effect of missense changes on protein structure and function (SIFT, PolyPhen-2, Align-GVGD) all suggest that this variant is likely to be tolerated. In summary, the available evidence is currently insufficient to determine the role of this variant in disease. Therefore, it has been classified as a Variant of Uncertain Significance.

Illumina Laboratory Services, Illumina
Classification: Uncertain significance for Infantile nephronophthisis. Last evaluated: 2018-01-13. Review status: criteria provided, single submitter. Criteria: ICSL Variant Classification Criteria 13 December 2019. Collection method: clinical testing. Allele origin: germline.

NM_014425.5(INVS):c.3106T>C (p.Cys1036Arg)

Gene: INVS (inversin; plus strand). Cytogenetic location: 9q31.1.
Variant type: single nucleotide variant.
Coding change: c.3106T>C on transcript NM_014425.5 (MANE Select); coding-DNA position 3106, T replaced by C.
Protein change: p.Cys1036Arg; replaces cysteine 1036 with arginine.
Molecular consequence: missense variant. On other transcripts: non-coding transcript variant (1).
Genome position (GRCh38, 1-based): chr9:100,300,582, T>C. VCF-style: chr9-100300582-T-C. GRCh37 (hg19) VCF-style: chr9-103062864-T-C.
Other names: c.2818T>C, p.Cys940Arg (NM_001318381.2); c.2128T>C, p.Cys710Arg (NM_001318382.2); short protein forms C940R, C1036R, C710R.
Identifiers: ClinVar variation 914510 (VCV000914510.6), dbSNP rs1444531400, ClinGen allele CA374245667.
Genomic context (GRCh38, chr9:100,300,582, plus strand): 5'-TTAAAATTAATAACCTTAATATCTATCTGGTATTTGTTTTTAACAGTGAGCAACCTACAG[T>C]GTATACATCTCCTTGAGAACAGTGGAAGATCAAAGAACTTTTCTTATAACCTGCAATCAG-3'
Protein context (NP_055240.2, residues 1026-1046): LRLNSVSNLQ[Cys1036Arg]IHLLENSGRS